The following is an entry in ClinVar:

ClinVar aggregate classification (germline): Likely benign (1 of 4 stars; one submission).

Allele frequency attached by ClinVar (database versions not stated): gnomAD 0.00001; TOPMed 0.00003; gnomAD exomes below 0.00001; ExAC 0.00001.
gnomAD v4.1: 7 of 1,613,748 alleles (0.00043%); highest among the groups gnomAD compares: African/African-American, 0.0027%; no homozygotes.

Submission:

CeGaT Center for Human Genetics Tuebingen
Classification: Likely benign. Last evaluated: 2022-08-01. Review status: criteria provided, single submitter. Criteria: CeGaT Center For Human Genetics Tuebingen Variant Classification Criteria Version 2. Collection method: clinical testing. Allele origin: germline. Affected: yes. Observed: 1 variant allele.
Comment: EIF4H: BP4, BP7

NM_022170.2(EIF4H):c.732A>G (p.Gln244=)

Gene: EIF4H (eukaryotic translation initiation factor 4H; plus strand). Cytogenetic location: 7q11.23.
Variant type: single nucleotide variant.
Coding change: c.732A>G on transcript NM_022170.2 (MANE Select); coding-DNA position 732, A replaced by G.
Protein change: p.Gln244=; no amino-acid change (glutamine 244 retained).
Molecular consequence: synonymous variant.
Genome position (GRCh38, 1-based): chr7:74,195,293, A>G. VCF-style: chr7-74195293-A-G. GRCh37 (hg19) VCF-style: chr7-73609623-A-G.
Other names: c.672A>G, p.Gln224= (NM_031992.2).
Identifiers: ClinVar variation 2657585 (VCV002657585.24), dbSNP rs782622576, ClinGen allele CA4294464.
Genomic context (GRCh38, chr7:74,195,293, plus strand): 5'-AGTAGCCAATCCCAACTCTGCTATCTTCGGGGGTGCCAGGCCTAGAGAGGAAGTCGTTCA[A>G]AAGGAGCAAGAATGAGCCTGCGGTTGGGAGGGAATGGGGCGTGGGGGGTTAGAGCAGGAC-3'
Protein context (NP_071496.1, residues 234-248): GGARPREEVV[Gln244=]KEQE